The following is an entry in ClinVar:

NM_153460.4(IL17RC):c.1041G>A (p.Trp347Ter)

Gene: IL17RC (interleukin 17 receptor C; plus strand). Cytogenetic location: 3p25.3.
Variant type: single nucleotide variant.
Coding change: c.1041G>A on transcript NM_153460.4 (MANE Select); coding-DNA position 1041, G replaced by A.
Protein change: p.Trp347Ter; replaces tryptophan 347 with a stop codon.
Molecular consequence: nonsense. On other transcripts: non-coding transcript variant (1).
Genome position (GRCh38, 1-based): chr3:9,928,468, G>A. VCF-style: chr3-9928468-G-A. GRCh37 (hg19) VCF-style: chr3-9970152-G-A.
Other names: c.1041G>A, p.Trp347Ter (NM_001203263.2, NM_001203264.2); c.996G>A, p.Trp332Ter (NM_001203265.2, NM_001367280.1, NM_001410711.1 and 1 more transcripts); c.1002G>A, p.Trp334Ter (NM_001367278.1); c.921G>A, p.Trp307Ter (NM_001367279.1); c.1254G>A, p.Trp418Ter (NM_153461.4); short protein forms W307*, W332*, W347*, W334*, W418*.
Identifiers: ClinVar variation 3708616 (VCV003708616.2).

ClinVar aggregate classification (germline): Uncertain significance (1 of 4 stars; one submission).

Conditions:
Candidiasis, familial, 9 (CANDF9). Identifiers: Orphanet 1334, MedGen C4225324, MONDO:0014642, OMIM 616445.

gnomAD v4.1: 6 of 1,610,912 alleles (0.00037%); highest among the groups gnomAD compares: Admixed American, 0.01%; no homozygotes.

Submission:

Labcorp Genetics (formerly Invitae), Labcorp
Classification: Uncertain significance for Candidiasis, familial, 9. Last evaluated: 2025-02-04. Review status: criteria provided, single submitter. Criteria: Invitae Variant Classification Sherloc (09022015). Collection method: clinical testing. Allele origin: germline.
Comment: This sequence change creates a premature translational stop signal (p.Trp418*) in the IL17RC gene. It is expected to result in an absent or disrupted protein product. However, the current clinical and genetic evidence is not sufficient to establish whether loss-of-function variants in IL17RC cause disease. This variant is present in population databases (rs752726522, gnomAD 0.01%). This variant has not been reported in the literature in individuals affected with IL17RC-related conditions. In summary, the available evidence is currently insufficient to determine the role of this variant in disease. Therefore, it has been classified as a Variant of Uncertain Significance.